The following is an entry in ClinVar:

ClinVar aggregate classification (germline): Uncertain significance (1 of 4 stars; one submission).

Conditions:
Familial melanoma. Also called: Hereditary melanoma; Hereditary cutaneous melanoma. Identifiers: Orphanet 618, MedGen C1512419, MONDO:0018961.

Submission:

Labcorp Genetics (formerly Invitae), Labcorp
Classification: Uncertain significance for Familial melanoma. Last evaluated: 2019-08-25. Review status: criteria provided, single submitter. Criteria: Invitae Variant Classification Sherloc (09022015). Collection method: clinical testing. Allele origin: germline.
Comment: In summary, the available evidence is currently insufficient to determine the role of this variant in disease. Therefore, it has been classified as a Variant of Uncertain Significance. Algorithms developed to predict the effect of missense changes on protein structure and function are either unavailable or do not agree on the potential impact of this missense change (SIFT: "Deleterious"; PolyPhen-2: "Probably Damaging"; Align-GVGD: "Class C0"). This variant has not been reported in the literature in individuals with CDK4-related conditions. This variant is not present in population databases (ExAC no frequency). This sequence change replaces threonine with isoleucine at codon 193 of the CDK4 protein (p.Thr193Ile). The threonine residue is highly conserved and there is a moderate physicochemical difference between threonine and isoleucine.

NM_000075.4(CDK4):c.578C>T (p.Thr193Ile)

Gene: CDK4 (cyclin dependent kinase 4; minus strand). Cytogenetic location: 12q14.1.
Variant type: single nucleotide variant.
Coding change: c.578C>T on transcript NM_000075.4 (MANE Select); coding-DNA position 578, C replaced by T.
Protein change: p.Thr193Ile; replaces threonine 193 with isoleucine.
Molecular consequence: missense variant.
Genome position (GRCh38, 1-based): chr12:57,750,710, G>A on the plus strand (C>T on the coding strand, the complement: CDK4 is on the minus strand). VCF-style: chr12-57750710-G-A. GRCh37 (hg19) VCF-style: chr12-58144493-G-A.
Other names: short protein forms T193I.
Identifiers: ClinVar variation 937871 (VCV000937871.9), dbSNP rs1955226446, ClinGen allele CA385545798.